The following is an entry in ClinVar:

NM_000238.4(KCNH2):c.277A>C (p.Lys93Gln)

Gene: KCNH2 (potassium voltage-gated channel subfamily H member 2; minus strand). Cytogenetic location: 7q36.1.
Variant type: single nucleotide variant.
Coding change: c.277A>C on transcript NM_000238.4 (MANE Select); coding-DNA position 277, A replaced by C.
Protein change: p.Lys93Gln; replaces lysine 93 with glutamine.
Molecular consequence: missense variant. On other transcripts: non-coding transcript variant (1).
Genome position (GRCh38, 1-based): chr7:150,974,741, T>G on the plus strand (A>C on the coding strand, the complement: KCNH2 is on the minus strand). VCF-style: chr7-150974741-T-G. GRCh37 (hg19) VCF-style: chr7-150671829-T-G.
Other names: c.100A>C, p.Lys34Gln (NM_001406755.1); c.277A>C, p.Lys93Gln (NM_172056.3); short protein forms K34Q, K93Q.
Identifiers: ClinVar variation 3072504 (VCV003072504.1), dbSNP rs1430857007, ClinGen allele CA369865376.

ClinVar aggregate classification (germline): Uncertain significance (1 of 4 stars; one submission).

Conditions:
Long QT syndrome (LQTS). Identifiers: MedGen C0023976, MeSH D008133, MONDO:0002442. Disease mechanism: loss of function. Inheritance: Various modes of inheritance.

Allele frequency attached by ClinVar (database versions not stated): TOPMed below 0.00001; gnomAD 0.00001.

Submission:

All of Us Research Program, National Institutes of Health
Classification: Uncertain significance for Long QT syndrome. Last evaluated: 2023-07-19. Review status: criteria provided, single submitter. Criteria: ACMG Guidelines, 2015. Collection method: clinical testing. Allele origin: germline. Inheritance: Autosomal dominant inheritance. Observed: 1 variant allele, 1 heterozygote.
Comment: This missense variant replaces lysine with glutamine at codon 93 of the KCNH2 protein. Computational prediction is inconclusive regarding the impact of this variant on protein structure and function (internally defined REVEL score threshold 0.5 < inconclusive < 0.7, PMID: 27666373). To our knowledge, functional studies have not been reported for this variant. This variant has not been reported in individuals affected with KCNH2-related disorders in the literature. This variant has not been identified in the general population by the Genome Aggregation Database (gnomAD). The available evidence is insufficient to determine the role of this variant in disease conclusively. Therefore, this variant is classified as a Variant of Uncertain Significance.

This study involves interpretation of variants in research participants for the purpose of population health screening. Participant phenotype was not available at the time of variant classification. Additional details can be found in publication PMID: 35346344, PMCID: PMC8962531